The following is an entry in ClinVar:

NM_001384474.1(LOXHD1):c.4982G>A (p.Arg1661His)

Gene: LOXHD1 (lipoxygenase homology PLAT domains 1; minus strand). Cytogenetic location: 18q21.1.
Variant type: single nucleotide variant.
Coding change: c.4982G>A on transcript NM_001384474.1 (MANE Select); coding-DNA position 4982, G replaced by A.
Protein change: p.Arg1661His; replaces arginine 1661 with histidine.
Molecular consequence: missense variant.
Genome position (GRCh38, 1-based): chr18:46,522,204, C>T on the plus strand (G>A on the coding strand, the complement: LOXHD1 is on the minus strand). VCF-style: chr18-46522204-C-T. GRCh37 (hg19) VCF-style: chr18-44102167-C-T.
Other names: c.1649G>A, p.Arg550His (NM_001145472.3); c.1361G>A, p.Arg454His (NM_001308013.2); c.4982G>A, p.Arg1661His (NM_144612.7); short protein forms R550H, R1661H, R454H.
Identifiers: ClinVar variation 1365253 (VCV001365253.5), dbSNP rs770493552, ClinGen allele CA8952270.

ClinVar aggregate classification (germline): Uncertain significance (1 of 4 stars; one submission).

Allele frequency attached by ClinVar (database versions not stated): gnomAD exomes 0.00002 and 0.00003; gnomAD 0.00003 and 0.00004; TOPMed 0.00003; ExAC 0.00013.
gnomAD v4.1: 30 of 1,551,616 alleles (0.0019%); highest among the groups gnomAD compares: South Asian, 0.0036%; no homozygotes.

Submission:

Labcorp Genetics (formerly Invitae), Labcorp
Classification: Uncertain significance. Last evaluated: 2021-08-20. Review status: criteria provided, single submitter. Criteria: Invitae Variant Classification Sherloc (09022015). Collection method: clinical testing. Allele origin: germline.
Comment: This sequence change replaces arginine with histidine at codon 1661 of the LOXHD1 protein (p.Arg1661His). The arginine residue is highly conserved and there is a small physicochemical difference between arginine and histidine. This variant is present in population databases (rs770493552, ExAC 0.02%). This missense change has been observed in individual(s) with deafness (Invitae). Algorithms developed to predict the effect of missense changes on protein structure and function are either unavailable or do not agree on the potential impact of this missense change (SIFT: "Deleterious"; PolyPhen-2: "Probably Damaging"; Align-GVGD: "Class C0"). In summary, the available evidence is currently insufficient to determine the role of this variant in disease. Therefore, it has been classified as a Variant of Uncertain Significance.